The following is an entry in ClinVar:

ClinVar aggregate classification (germline): Uncertain significance (1 of 4 stars; one submission).

Submission:

GeneDx
Classification: Uncertain significance. Last evaluated: 2024-03-05. Review status: criteria provided, single submitter. Criteria: GeneDx Variant Classification Process June 2021. Collection method: clinical testing. Allele origin: germline. Affected: yes.
Comment: Not observed at significant frequency in large population cohorts (gnomAD); In silico analysis supports that this missense variant does not alter protein structure/function; Has not been previously published as pathogenic or benign to our knowledge

NM_001205293.3(CACNA1E):c.125C>T (p.Thr42Met)

Gene: CACNA1E (calcium voltage-gated channel subunit alpha1 E; plus strand). Cytogenetic location: 1q25.3.
Variant type: single nucleotide variant.
Coding change: c.125C>T on transcript NM_001205293.3 (MANE Select); coding-DNA position 125, C replaced by T.
Protein change: p.Thr42Met; replaces threonine 42 with methionine.
Molecular consequence: missense variant.
Genome position (GRCh38, 1-based): chr1:181,483,869, C>T. VCF-style: chr1-181483869-C-T. GRCh37 (hg19) VCF-style: chr1-181453005-C-T.
Other names: c.125C>T, p.Thr42Met (NM_000721.4, NM_001205294.2); short protein forms T42M.
Identifiers: ClinVar variation 3373747 (VCV003373747.1).